The following is an entry in ClinVar:

NM_058216.3(RAD51C):c.294C>T (p.Gly98=)

Gene: RAD51C (RAD51 paralog C; plus strand). Cytogenetic location: 17q22.
Variant type: single nucleotide variant.
Coding change: c.294C>T on transcript NM_058216.3 (MANE Select); coding-DNA position 294, C replaced by T.
Protein change: p.Gly98=; no amino-acid change (glycine 98 retained).
Molecular consequence: synonymous variant. On other transcripts: non-coding transcript variant (2).
Genome position (GRCh38, 1-based): chr17:58,695,079, C>T. VCF-style: chr17-58695079-C-T. GRCh37 (hg19) VCF-style: chr17-56772440-C-T.
Other names: c.294C>T, p.Gly98= (NM_002876.4).
Identifiers: ClinVar variation 3903856 (VCV003903856.1).
Genomic context (GRCh38, chr17:58,695,079, plus strand): 5'-ATCTGAGTCACACAAGAAGTGTACAGCACTGGAACTTCTTGAGCAGGAGCATACCCAGGG[C>T]TTCATAATCACCTTCTGTTCAGCACTAGATGATATTCTTGGGGGTGGAGTGCCCTTAATG-3'
Protein context (NP_478123.1, residues 88-108): LELLEQEHTQ[Gly98=]FIITFCSALD

ClinVar aggregate classification (germline): Benign (1 of 4 stars; one submission).

Conditions:
Breast-ovarian cancer, familial, susceptibility to, 3. Also called: RAD51C-Related Breast/Ovarian Cancer. Identifiers: Orphanet 145, MedGen C3150659, MONDO:0013253, OMIM 613399.

Submission:

Myriad Genetics, Inc.
Classification: Benign for Breast-ovarian cancer, familial, susceptibility to, 3. Last evaluated: 2025-02-14. Review status: criteria provided, single submitter. Criteria: Myriad Autosomal Dominant, Autosomal Recessive and X-Linked Classification Criteria (2023). Collection method: clinical testing. Allele origin: unknown.
Comment: This variant is considered benign. This variant is a silent/synonymous amino acid change and it is not expected to impact splicing.